The following is an entry in ClinVar:

ClinVar aggregate classification (germline): Pathogenic (1 of 4 stars; one submission).

Conditions:
Ehlers-Danlos syndrome, dermatosparaxis type. Also called: EDS VIIC; Dermatosparaxis; Ehlers-Danlos syndrome, type VII, autosomal recessive. Identifiers: Orphanet 1901, MedGen C2700425, MONDO:0009161, OMIM 225410.

Submission:

Myriad Genetics, Inc.
Classification: Pathogenic for Ehlers-Danlos syndrome, dermatosparaxis type. Last evaluated: 2024-05-14. Review status: criteria provided, single submitter. Criteria: Myriad Autosomal Dominant, Autosomal Recessive and X-Linked Classification Criteria (2023). Collection method: clinical testing. Allele origin: unknown.
Comment: NM_014244.4(ADAMTS2):c.97_98ins14(P33Lfs*137) is expected to be pathogenic in the context of Ehlers-Danlos syndrome, ADAMTS2-related. This variant is predicted to lead to an abnormal or absent protein product due to the creation of a premature termination codon in ADAMTS2, a gene where loss-of-function variants are known to be pathogenic. Please note: this variant was assessed in the context of healthy population screening.

NM_014244.5(ADAMTS2):c.97_98insTCTTATACACATCT (p.Pro33fs)

Gene: ADAMTS2 (ADAM metallopeptidase with thrombospondin type 1 motif 2; minus strand). Cytogenetic location: 5q35.3.
Variant type: Insertion.
Coding change: c.97_98insTCTTATACACATCT on transcript NM_014244.5 (MANE Select); coding-DNA positions 97 to 98, TCTTATACACATCT inserted.
Protein change: p.Pro33fs; shifts the reading frame from proline 33.
Molecular consequence: frameshift variant.
Genome position: GRCh38 VCF-style: chr5-179345231-G-GAGATGTGTATAAGA. GRCh37 (hg19) VCF-style: chr5-178772232-G-GAGATGTGTATAAGA.
Other names: c.97_98insTCTTATACACATCT, p.Pro33fs (NM_021599.4); short protein forms P33fs.
Identifiers: ClinVar variation 5010684 (VCV005010684.1).